The following is an entry in ClinVar:

ClinVar aggregate classification (germline): Uncertain significance (1 of 4 stars; one submission).

Submission:

Labcorp Genetics (formerly Invitae), Labcorp
Classification: Uncertain significance. Last evaluated: 2024-04-30. Review status: criteria provided, single submitter. Criteria: Invitae Variant Classification Sherloc (09022015). Collection method: clinical testing. Allele origin: germline.
Comment: This sequence change replaces proline, which is neutral and non-polar, with alanine, which is neutral and non-polar, at codon 280 of the LZTR1 protein (p.Pro280Ala). This variant is not present in population databases (gnomAD no frequency). This variant has not been reported in the literature in individuals affected with LZTR1-related conditions. Advanced modeling of protein sequence and biophysical properties (such as structural, functional, and spatial information, amino acid conservation, physicochemical variation, residue mobility, and thermodynamic stability) performed at Invitae indicates that this missense variant is not expected to disrupt LZTR1 protein function with a negative predictive value of 80%. In summary, the available evidence is currently insufficient to determine the role of this variant in disease. Therefore, it has been classified as a Variant of Uncertain Significance.

NM_006767.4(LZTR1):c.838C>G (p.Pro280Ala)

Gene: LZTR1 (leucine zipper like post translational regulator 1; plus strand). Cytogenetic location: 22q11.21.
Variant type: single nucleotide variant.
Coding change: c.838C>G on transcript NM_006767.4 (MANE Select); coding-DNA position 838, C replaced by G.
Protein change: p.Pro280Ala; replaces proline 280 with alanine.
Molecular consequence: missense variant.
Genome position (GRCh38, 1-based): chr22:20,991,674, C>G. VCF-style: chr22-20991674-C-G. GRCh37 (hg19) VCF-style: chr22-21345963-C-G.
Other names: short protein forms P280A.
Identifiers: ClinVar variation 3707774 (VCV003707774.2).